The following is an entry in ClinVar:

ClinVar aggregate classification (germline): Uncertain significance (1 of 4 stars; one submission).

Submission:

Ambry Genetics
Classification: Uncertain significance. Last evaluated: 2025-08-31. Review status: criteria provided, single submitter. Criteria: Ambry Variant Classification Scheme 2023. Collection method: clinical testing. Allele origin: germline.
Comment: The p.P727L variant (also known as c.2180C>T), located in coding exon 9 of the WNK2 gene, results from a C to T substitution at nucleotide position 2180. The proline at codon 727 is replaced by leucine, an amino acid with similar properties. This amino acid position is conserved. In addition, this alteration is predicted to be tolerated by in silico analysis. Based on the available evidence, the clinical significance of this variant remains unclear.

NM_006648.4(WNK2):c.2180C>T (p.Pro727Leu)

Gene: WNK2 (WNK lysine deficient protein kinase 2; plus strand). Cytogenetic location: 9q22.31.
Variant type: single nucleotide variant.
Coding change: c.2180C>T on transcript NM_006648.4 (MANE Select); coding-DNA position 2180, C replaced by T.
Protein change: p.Pro727Leu; replaces proline 727 with leucine.
Molecular consequence: missense variant.
Genome position (GRCh38, 1-based): chr9:93,256,444, C>T. VCF-style: chr9-93256444-C-T. GRCh37 (hg19) VCF-style: chr9-96018726-C-T.
Other names: c.2180C>T, p.Pro727Leu (NM_001282394.3); short protein forms P727L.
Identifiers: ClinVar variation 4201848 (VCV004201848.1).